The following is an entry in ClinVar:

NM_000095.3(COMP):c.1882C>T (p.Arg628Cys)

Gene: COMP (cartilage oligomeric matrix protein; minus strand). Cytogenetic location: 19p13.11.
Variant type: single nucleotide variant.
Coding change: c.1882C>T on transcript NM_000095.3 (MANE Select); coding-DNA position 1882, C replaced by T.
Protein change: p.Arg628Cys; replaces arginine 628 with cysteine.
Molecular consequence: missense variant.
Genome position (GRCh38, 1-based): chr19:18,784,928, G>A on the plus strand (C>T on the coding strand, the complement: COMP is on the minus strand). VCF-style: chr19-18784928-G-A. GRCh37 (hg19) VCF-style: chr19-18895738-G-A.
Other names: c.1882C>T (NM_000095.2); short protein forms R628C.
Identifiers: ClinVar variation 1424736 (VCV001424736.8), dbSNP rs1464526978, ClinGen allele CA404877890.

ClinVar aggregate classification (germline): Uncertain significance. Review status: criteria provided, multiple submitters, no conflicts (2 of 4 stars). 3 submissions from 3 submitters: Uncertain significance (3). Last evaluated 2023-12-04.

Conditions:
Pseudoachondroplastic spondyloepiphyseal dysplasia syndrome (PSACH). Also called: COMP-Related Pseudoachondroplasia; PSEUDOACHONDROPLASTIC DYSPLASIA; Pseudoachondroplasia. Identifiers: Orphanet 750, MedGen C0410538, MONDO:0008322, OMIM 177170.
Inborn genetic diseases. Identifiers: MedGen C0950123, MeSH D030342.

Allele frequency attached by ClinVar (database versions not stated): gnomAD exomes below 0.00001; TOPMed below 0.00001; gnomAD 0.00001.
gnomAD v4.1: 5 of 1,613,812 alleles (0.00031%); highest among the groups gnomAD compares: South Asian, 0.0022%; no homozygotes.

Submissions (3):

Ambry Genetics
Classification: Uncertain significance for Inborn genetic diseases. Last evaluated: 2023-12-04. Review status: criteria provided, single submitter. Criteria: Ambry Variant Classification Scheme 2023. Collection method: clinical testing. Allele origin: germline.

Labcorp Genetics (formerly Invitae), Labcorp
Classification: Uncertain significance. Last evaluated: 2023-11-27. Review status: criteria provided, single submitter. Criteria: Invitae Variant Classification Sherloc (09022015). Collection method: clinical testing. Allele origin: germline.
Comment: This sequence change replaces arginine, which is basic and polar, with cysteine, which is neutral and slightly polar, at codon 628 of the COMP protein (p.Arg628Cys). This variant is present in population databases (no rsID available, gnomAD 0.007%). This variant has not been reported in the literature in individuals affected with COMP-related conditions. ClinVar contains an entry for this variant (Variation ID: 1424736). Advanced modeling of protein sequence and biophysical properties (such as structural, functional, and spatial information, amino acid conservation, physicochemical variation, residue mobility, and thermodynamic stability) performed at Invitae indicates that this missense variant is expected to disrupt COMP protein function with a positive predictive value of 80%. In summary, the available evidence is currently insufficient to determine the role of this variant in disease. Therefore, it has been classified as a Variant of Uncertain Significance.

Department of Pathology and Laboratory Medicine, Sinai Health System
Classification: Uncertain significance for pseudoachondroplasia. Last evaluated: 2020-04-29. Review status: criteria provided, single submitter. Criteria: ACMG Guidelines, 2015. Collection method: research. Allele origin: germline.